The following is an entry in ClinVar:

ClinVar aggregate classification (germline): Likely pathogenic (1 of 4 stars; one submission).

Submission:

Dasa
Classification: Likely pathogenic. Last evaluated: 2025-12-22. Review status: criteria provided, single submitter. Criteria: DASA Assertion Criteria. Collection method: clinical testing. Allele origin: germline.
Comment: NM_000083.3(CLCN1):c.1065-2A>G affects a canonical splice site and is predicted to disrupt normal RNA splicing. Loss of function is an established disease mechanism for CLCN1-associated disorders. This variant has been reported in individuals with CLCN1-related disorders (PMID: 37892996). Also, this variant is rare in population databases. Based on the currently available evidence, this variant is classified as likely pathogenic.

Literature cited by the submitters: PubMed 37892996.

NM_000083.3(CLCN1):c.1065-2A>G

Gene: CLCN1 (chloride voltage-gated channel 1; plus strand). Cytogenetic location: 7q34.
Variant type: single nucleotide variant.
Coding change: c.1065-2A>G on transcript NM_000083.3 (MANE Select); the canonical splice acceptor site of the intron before coding-DNA position 1065, A replaced by G.
Molecular consequence: splice acceptor variant.
Genome position (GRCh38, 1-based): chr7:143,331,549, A>G. VCF-style: chr7-143331549-A-G. GRCh37 (hg19) VCF-style: chr7-143028642-A-G.
Identifiers: ClinVar variation 4884996 (VCV004884996.2).